The following is an entry in ClinVar:

ClinVar aggregate classification (germline): Pathogenic (1 of 4 stars; one submission).

Submission:

GeneDx
Classification: Pathogenic. Last evaluated: 2015-04-30. Review status: criteria provided, single submitter. Criteria: GeneDx Variant Classification (06012015). Collection method: clinical testing. Allele origin: germline. Affected: yes.
Comment: The IVS12+1 G>A variant has not been published as a pathogenic variant, nor has it been reported as a benignpolymorphism to our knowledge. This change in the NSD1 gene destroys the canonical splice donor site inintron 12. It is predicted to cause abnormal gene splicing, either leading to an abnormal message that issubject to nonsense-mediated mRNA decay, or to an abnormal protein product if the message is used forprotein translation. The IVS12+1 G>A variant was not observed in approximately 6500 individuals ofEuropean and African American ancestry in the NHLBI Exome Sequencing Project, indicating it is not acommon benign variant in these populations. Although this variant has not been previously reported to ourknowledge, we consider it to be pathogenic.

NM_022455.5(NSD1):c.4765+1G>A

Gene: NSD1 (nuclear receptor binding SET domain protein 1; plus strand). Cytogenetic location: 5q35.3.
Variant type: single nucleotide variant.
Coding change: c.4765+1G>A on transcript NM_022455.5 (MANE Select); the canonical splice donor site of the intron after coding-DNA position 4765, G replaced by A.
Molecular consequence: splice donor variant.
Genome position (GRCh38, 1-based): chr5:177,251,854, G>A. VCF-style: chr5-177251854-G-A. GRCh37 (hg19) VCF-style: chr5-176678855-G-A.
Other names: c.3892+1G>A (NM_001409308.1, NM_001409307.1, NM_172349.5 and 3 more transcripts); c.4765+1G>A (NM_001409302.1, NM_001409303.1, NM_001409301.1); c.4345+1G>A (NM_001409304.1); c.4012+1G>A (NM_001409305.1).
Identifiers: ClinVar variation 379620 (VCV000379620.2), dbSNP rs1057520671, ClinGen allele CA16604873.